The following is an entry in ClinVar:

ClinVar aggregate classification (germline): Uncertain significance. Review status: criteria provided, multiple submitters, no conflicts (2 of 4 stars). 2 submissions from 2 submitters: Uncertain significance (2). Last evaluated 2024-04-08.

Conditions:
Congenital myasthenic syndrome 8. Also called: Myasthenic syndrome, congenital, 8, with pre- and postsynaptic defects; MYASTHENIC SYNDROME, CONGENITAL, DUE TO AGRIN DEFICIENCY. Identifiers: Orphanet 590, MedGen C3808739, MONDO:0014052, OMIM 615120.
Inborn genetic diseases. Identifiers: MedGen C0950123, MeSH D030342.

Allele frequency attached by ClinVar (database versions not stated): gnomAD 0.00001; gnomAD exomes 0.00001 and 0.00004; ExAC 0.00003; TOPMed 0.00003.

Submissions (2):

Ambry Genetics
Classification: Uncertain significance for Inborn genetic diseases. Last evaluated: 2024-04-08. Review status: criteria provided, single submitter. Criteria: Ambry Variant Classification Scheme 2023. Collection method: clinical testing. Allele origin: germline.

Labcorp Genetics (formerly Invitae), Labcorp
Classification: Uncertain significance for Congenital myasthenic syndrome 8. Last evaluated: 2022-08-09. Review status: criteria provided, single submitter. Criteria: Invitae Variant Classification Sherloc (09022015). Collection method: clinical testing. Allele origin: germline.
Comment: This sequence change replaces alanine, which is neutral and non-polar, with valine, which is neutral and non-polar, at codon 902 of the AGRN protein (p.Ala902Val). This variant is present in population databases (rs753492233, gnomAD 0.05%). This variant has not been reported in the literature in individuals affected with AGRN-related conditions. ClinVar contains an entry for this variant (Variation ID: 662044). Algorithms developed to predict the effect of missense changes on protein structure and function output the following: SIFT: "Tolerated"; PolyPhen-2: "Possibly Damaging"; Align-GVGD: "Class C0". The valine amino acid residue is found in multiple mammalian species, which suggests that this missense change does not adversely affect protein function. In summary, the available evidence is currently insufficient to determine the role of this variant in disease. Therefore, it has been classified as a Variant of Uncertain Significance.

NM_198576.4(AGRN):c.2705C>T (p.Ala902Val)

Gene: AGRN (agrin; plus strand). Cytogenetic location: 1p36.33.
Variant type: single nucleotide variant.
Coding change: c.2705C>T on transcript NM_198576.4 (MANE Select); coding-DNA position 2705, C replaced by T.
Protein change: p.Ala902Val; replaces alanine 902 with valine.
Molecular consequence: missense variant.
Genome position (GRCh38, 1-based): chr1:1,045,988, C>T. VCF-style: chr1-1045988-C-T. GRCh37 (hg19) VCF-style: chr1-981368-C-T.
Other names: c.2705C>T, p.Ala902Val (NM_001305275.2); c.2390C>T, p.Ala797Val (NM_001364727.2); short protein forms A797V, A902V.
Identifiers: ClinVar variation 662044 (VCV000662044.4), dbSNP rs753492233, ClinGen allele CA508775.